The following is an entry in ClinVar:

NC_000004.11:g.(?_5785269)_(5812774_?)del

Gene: EVC (EvC ciliary complex subunit 1; plus strand). Cytogenetic location: 4p16.2.
Variant type: Deletion.
Identifiers: ClinVar variation 2427444 (VCV002427444.4).

ClinVar aggregate classification (germline): Pathogenic (1 of 4 stars; one submission).

Conditions:
Curry-Hall syndrome (WAD). Also called: WEYERS ACRODENTAL DYSOSTOSIS. Identifiers: Orphanet 952, MedGen C0457013, MONDO:0008673, OMIM 193530.
Ellis-van Creveld syndrome (EVC). Also called: MESOECTODERMAL DYSPLASIA; EVC-Related Ellis-van Creveld Syndrome; EVC2-Related Ellis-van Creveld Syndrome; Chondroectodermal dysplasia. Identifiers: Orphanet 289, MedGen C0013903, MONDO:0009162, OMIM 225500.

Submission:

Labcorp Genetics (formerly Invitae), Labcorp
Classification: Pathogenic for Curry-Hall syndrome; Ellis-van Creveld syndrome. Last evaluated: 2022-04-12. Review status: criteria provided, single submitter. Criteria: Invitae Variant Classification Sherloc (09022015). Collection method: clinical testing. Allele origin: germline.
Comment: This variant is a gross deletion of the genomic region encompassing exon(s) 12-21 of the EVC gene, which includes the termination codon. This deletion extends beyond the assayed region for this gene and therefore may encompass additional genes. While this deletion is not anticipated to lead to nonsense mediated decay, it is expected to alter mRNA translation or result in a truncated protein product. A similar copy number variant has been observed in individual(s) with Ellis-van Creveld syndrome (PMID: 10700184). This variant disrupts a region of the EVC protein in which other variant(s) (p.Leu623Pro) have been determined to be pathogenic (PMID: 18947413, 19810119; Invitae). This suggests that this is a clinically significant region of the protein, and that variants that disrupt it are likely to be disease-causing. For these reasons, this variant has been classified as Pathogenic.

Literature cited by the submitters: PubMed 10700184; PubMed 18947413; PubMed 19810119.